The following is an entry in ClinVar:

NM_016341.4(PLCE1):c.1207-43013G>A

Genes: PLCE1 (phospholipase C epsilon 1; plus strand), PLCE1-AS2 (PLCE1 antisense RNA 2; minus strand). Cytogenetic location: 10q23.33.
Variant type: single nucleotide variant.
Coding change: c.1207-43013G>A on transcript NM_016341.4 (MANE Select); 43013 bases into the intron before coding-DNA position 1207, G replaced by A.
Molecular consequence: intron variant. On other transcripts: missense variant (1).
Genome position (GRCh38, 1-based): chr10:94,089,161, G>A. VCF-style: chr10-94089161-G-A. GRCh37 (hg19) VCF-style: chr10-95848918-G-A.
Other names: c.67G>A, p.Val23Met (NM_001165979.2); c.1207-43013G>A (NM_001288989.2); short protein forms V23M.
Identifiers: ClinVar variation 3039397 (VCV003039397.2), dbSNP rs144179807, ClinGen allele CA5612272.

ClinVar aggregate classification (germline): Likely benign (0 of 4 stars; one submission).

Conditions:
PLCE1-related disorder. Also called: PLCE1-related condition.

Allele frequency attached by ClinVar (database versions not stated): gnomAD exomes 0.00017; ExAC 0.00041; 1000 Genomes Project 30x 0.00078; 1000 Genomes Project 0.00100; ESP Exome Variant Server 0.00126; gnomAD 0.00129; TOPMed 0.00129.
gnomAD v4.1: 471 of 1,613,992 alleles (0.029%); highest among the groups gnomAD compares: African/African-American, 0.36%; 1 homozygote.

Submission:

PreventionGenetics, part of Exact Sciences
Classification: Likely benign for PLCE1-related condition. Last evaluated: 2022-06-14. Review status: no assertion criteria provided. Collection method: clinical testing. Allele origin: germline.
Comment: This variant is classified as likely benign based on ACMG/AMP sequence variant interpretation guidelines (Richards et al. 2015 PMID: 25741868, with internal and published modifications).